The following is an entry in ClinVar:

ClinVar aggregate classification (germline): Uncertain significance (1 of 4 stars; one submission).

Conditions:
Familial thoracic aortic aneurysm and aortic dissection (TAAD). Also called: Thoracic aortic aneurysms and dissections. Identifiers: Orphanet 91387, MedGen C4707243, MONDO:0019625.

Submission:

Color Diagnostics, LLC DBA Color Health
Classification: Uncertain significance for Familial thoracic aortic aneurysm and aortic dissection. Last evaluated: 2025-05-30. Review status: criteria provided, single submitter. Criteria: ACMG Guidelines, 2015. Collection method: clinical testing. Allele origin: germline.
Comment: This missense variant replaces serine with arginine at codon 346 of the MYH11 protein. Computational prediction suggests that this variant may not impact protein structure and function. To our knowledge, functional studies have not been reported for this variant. This variant has not been reported in individuals affected with MYH11-related disorders in the literature. This variant has not been identified in the general population by the Genome Aggregation Database (gnomAD). The available evidence is insufficient to determine the role of this variant in disease conclusively. Therefore, this variant is classified as a Variant of Uncertain Significance.

NM_002474.3(MYH11):c.1015A>C (p.Ser339Arg)

Gene: MYH11 (myosin heavy chain 11; minus strand). Cytogenetic location: 16p13.11.
Variant type: single nucleotide variant.
Coding change: c.1015A>C on transcript NM_002474.3 (MANE Select); coding-DNA position 1015, A replaced by C.
Protein change: p.Ser339Arg; replaces serine 339 with arginine.
Molecular consequence: missense variant.
Genome position (GRCh38, 1-based): chr16:15,771,587, T>G on the plus strand (A>C on the coding strand, the complement: MYH11 is on the minus strand). VCF-style: chr16-15771587-T-G. GRCh37 (hg19) VCF-style: chr16-15865444-T-G.
Other names: c.1036A>C, p.Ser346Arg (NM_001040113.2, NM_001040114.2); c.1015A>C, p.Ser339Arg (NM_022844.3); short protein forms S339R, S346R.
Identifiers: ClinVar variation 4758704 (VCV004758704.1).